The following is an entry in ClinVar:

NM_001159699.2(FHL1):c.549+4T>G

Gene: FHL1 (four and a half LIM domains 1; plus strand). Cytogenetic location: Xq26.3.
Variant type: single nucleotide variant.
Coding change: c.549+4T>G on transcript NM_001159699.2 (MANE Select); 4 bases into the intron after coding-DNA position 549, T replaced by G.
Molecular consequence: intron variant.
Genome position (GRCh38, 1-based): chrX:136,207,965, T>G. VCF-style: chrX-136207965-T-G. GRCh37 (hg19) VCF-style: chrX-135290124-T-G.
Other names: c.501+4T>G (NM_001159702.3, NM_001449.5, NM_001159703.2 and 9 more transcripts); c.588+4T>G (NM_001159701.2); c.549+4T>G (NM_001330659.2).
Identifiers: ClinVar variation 2823733 (VCV002823733.3), dbSNP rs2521288638, ClinGen allele CA2694800458.

ClinVar aggregate classification (germline): Uncertain significance (1 of 4 stars; one submission).

Conditions:
X-linked myopathy with postural muscle atrophy. Also called: FHL1-Related Emery-Dreifuss Muscular Dystrophy, X-Linked. Identifiers: Orphanet 178461, MedGen C2678055, MONDO:0010401, OMIM 300696.

Submission:

Labcorp Genetics (formerly Invitae), Labcorp
Classification: Uncertain significance for X-linked myopathy with postural muscle atrophy. Last evaluated: 2022-12-24. Review status: criteria provided, single submitter. Criteria: Invitae Variant Classification Sherloc (09022015). Collection method: clinical testing. Allele origin: germline.
Comment: This sequence change falls in intron 5 of the FHL1 gene. It does not directly change the encoded amino acid sequence of the FHL1 protein. It affects a nucleotide within the consensus splice site. This variant is not present in population databases (gnomAD no frequency). This variant has not been reported in the literature in individuals affected with FHL1-related conditions. Variants that disrupt the consensus splice site are a relatively common cause of aberrant splicing (PMID: 17576681, 9536098). Algorithms developed to predict the effect of sequence changes on RNA splicing suggest that this variant is not likely to affect RNA splicing. In summary, the available evidence is currently insufficient to determine the role of this variant in disease. Therefore, it has been classified as a Variant of Uncertain Significance.

Literature cited by the submitters: PubMed 17576681; PubMed 9536098.